The following is an entry in ClinVar:

NM_001386795.1(DTNA):c.999C>T (p.Ile333=)

Gene: DTNA (dystrobrevin alpha; plus strand). Cytogenetic location: 18q12.1.
Variant type: single nucleotide variant.
Coding change: c.999C>T on transcript NM_001386795.1 (MANE Select); coding-DNA position 999, C replaced by T.
Protein change: p.Ile333=; no amino-acid change (isoleucine 333 retained).
Molecular consequence: synonymous variant. On other transcripts: intron variant (1).
Genome position (GRCh38, 1-based): chr18:34,820,913, C>T. VCF-style: chr18-34820913-C-T. GRCh37 (hg19) VCF-style: chr18-32400877-C-T.
Other names: c.999C>T, p.Ile333= (NM_001128175.2, NM_001198938.2, NM_001198939.2 and 34 more transcripts); c.45C>T, p.Ile15= (NM_001198942.1, NM_001198944.1, NM_032980.4 and 1 more transcripts); c.249C>T, p.Ile83= (NM_001198943.1); c.603+8800C>T (NM_001198945.2).
Identifiers: ClinVar variation 46429 (VCV000046429.25), dbSNP rs61737438, ClinGen allele CA138345.

ClinVar aggregate classification (germline): Benign/Likely benign. Review status: criteria provided, multiple submitters, no conflicts (2 of 4 stars). 6 submissions from 6 submitters: Benign (4); Likely benign (2). Last evaluated 2026-01-31.

Conditions:
Left ventricular noncompaction 1 (LVNC1). Also called: LEFT VENTRICULAR NONCOMPACTION 1 WITH OR WITHOUT CONGENITAL HEART DEFECTS. Identifiers: Orphanet 54260, MedGen C1858725, MONDO:0011403, OMIM 604169.

Allele frequency attached by ClinVar (database versions not stated): gnomAD exomes 0.00066; ExAC 0.00083; gnomAD 0.00242 and 0.00258; ESP Exome Variant Server 0.00269; 1000 Genomes Project 30x 0.00297; TOPMed 0.00298; 1000 Genomes Project 0.00319.
gnomAD v4.1: 793 of 1,613,762 alleles (0.049%); highest among the groups gnomAD compares: African/African-American, 0.9%; 4 homozygotes.

Submissions (7):

Labcorp Genetics (formerly Invitae), Labcorp
Classification: Benign for Left ventricular noncompaction 1. Last evaluated: 2026-01-31. Review status: criteria provided, single submitter. Criteria: Invitae Variant Classification Sherloc (09022015). Collection method: clinical testing. Allele origin: germline.

CeGaT Center for Human Genetics Tuebingen
Classification: Likely benign. Last evaluated: 2025-09-01. Review status: criteria provided, single submitter. Criteria: CeGaT Center For Human Genetics Tuebingen Variant Classification Criteria Version 2. Collection method: clinical testing. Allele origin: germline. Affected: yes. Observed: 1 variant allele.
Comment: DTNA: BP4, BP7

Blueprint Genetics
Classification: Likely benign. Last evaluated: 2024-11-13. Review status: criteria provided, single submitter. Criteria: ACMG Guidelines, 2015. Collection method: clinical testing. Allele origin: germline.

Women's Health and Genetics/Laboratory Corporation of America, LabCorp
Classification: Benign. Last evaluated: 2022-01-15. Review status: criteria provided, single submitter. Criteria: LabCorp Variant Classification Summary - May 2015. Collection method: clinical testing. Allele origin: germline.

GeneDx
Classification: Benign. Last evaluated: 2015-06-10. Review status: criteria provided, single submitter. Criteria: GeneDx Variant Classification (06012015). Collection method: clinical testing. Allele origin: germline. Affected: yes.
Comment: This variant is considered likely benign or benign based on one or more of the following criteria: it is a conservative change, it occurs at a poorly conserved position in the protein, it is predicted to be benign by multiple in silico algorithms, and/or has population frequency not consistent with disease.

Laboratory for Molecular Medicine, Mass General Brigham Personalized Medicine
Classification: Benign. Last evaluated: 2012-04-10. Review status: criteria provided, single submitter. Criteria: LMM Criteria. Collection method: clinical testing. Allele origin: germline. Observed: 5 variant alleles.
Comment: 0.7% (n=27 alleles) in AA (ESP)

Dr. Peter K. Rogan Lab, Western University
No classification provided (evidence only). Condition: Clear cell carcinoma of kidney. Review status: no classification provided. Collection method: in vitro. Allele origin: not applicable. Functional consequence: skipped exon. Not counted in ClinVar's aggregate classification.